The following is an entry in ClinVar:

NM_024675.4(PALB2):c.1990A>G (p.Met664Val)

Gene: PALB2 (partner and localizer of BRCA2; minus strand). Cytogenetic location: 16p12.2.
Variant type: single nucleotide variant.
Coding change: c.1990A>G on transcript NM_024675.4 (MANE Select); coding-DNA position 1990, A replaced by G.
Protein change: p.Met664Val; replaces methionine 664 with valine.
Molecular consequence: missense variant.
Genome position (GRCh38, 1-based): chr16:23,630,164, T>C on the plus strand (A>G on the coding strand, the complement: PALB2 is on the minus strand). VCF-style: chr16-23630164-T-C. GRCh37 (hg19) VCF-style: chr16-23641485-T-C.
Other names: short protein forms M664V.
Identifiers: ClinVar variation 820473 (VCV000820473.8), dbSNP rs752714298, ClinGen allele CA395127229.
Genomic context (GRCh38, chr16:23,630,164, plus strand): 5'-GATGTGATTTTCCTGGTAGAACAATAAGGTCCTCTTCTAAGTCCTCCATTTCTGTATCCA[T>C]GCGTTTAGGACTCAGTTCCTCTGGAAAAATACAGCTTCCCTCTTTAAGATGTCTCTCTCC-3'
Protein context (NP_078951.2, residues 654-674): IFPEELSPKR[Met664Val]DTEMEDLEED

ClinVar aggregate classification (germline): Uncertain significance. Review status: criteria provided, multiple submitters, no conflicts (2 of 4 stars). 3 submissions from 3 submitters: Uncertain significance (3). Last evaluated 2024-05-13.

Conditions:
Familial cancer of breast. Also called: BREAST CANCER, FAMILIAL; Hereditary breast cancer; hereditary breast carcinoma. Identifiers: Orphanet 227535, MedGen C0346153, MONDO:0016419, OMIM 114480. Disease mechanism: loss of function.
Hereditary cancer-predisposing syndrome. Also called: Neoplastic Syndromes, Hereditary; Tumor predisposition; Hereditary Cancer Syndrome; Hereditary neoplastic syndrome. Identifiers: Orphanet 140162, MedGen C0027672, MeSH D009386, MONDO:0015356.

Submissions (3):

Labcorp Genetics (formerly Invitae), Labcorp
Classification: Uncertain significance for Familial cancer of breast. Last evaluated: 2024-05-13. Review status: criteria provided, single submitter. Criteria: Invitae Variant Classification Sherloc (09022015). Collection method: clinical testing. Allele origin: germline.
Comment: This sequence change replaces methionine, which is neutral and non-polar, with valine, which is neutral and non-polar, at codon 664 of the PALB2 protein (p.Met664Val). This variant is not present in population databases (gnomAD no frequency). This variant has not been reported in the literature in individuals affected with PALB2-related conditions. ClinVar contains an entry for this variant (Variation ID: 820473). Advanced modeling of protein sequence and biophysical properties (such as structural, functional, and spatial information, amino acid conservation, physicochemical variation, residue mobility, and thermodynamic stability) performed at Invitae indicates that this missense variant is not expected to disrupt PALB2 protein function with a negative predictive value of 80%. In summary, the available evidence is currently insufficient to determine the role of this variant in disease. Therefore, it has been classified as a Variant of Uncertain Significance.

Color Diagnostics, LLC DBA Color Health
Classification: Uncertain significance for Hereditary cancer-predisposing syndrome. Last evaluated: 2022-05-23. Review status: criteria provided, single submitter. Criteria: ACMG Guidelines, 2015. Collection method: clinical testing. Allele origin: germline.
Comment: This missense variant replaces methionine with valine at codon 664 of the PALB2 protein. Computational prediction suggests that this variant may not impact protein structure and function (internally defined REVEL score threshold <= 0.5, PMID: 27666373). To our knowledge, functional studies have not been reported for this variant. This variant has not been reported in individuals affected with hereditary cancer in the literature. This variant has not been identified in the general population by the Genome Aggregation Database (gnomAD). The available evidence is insufficient to determine the role of this variant in disease conclusively. Therefore, this variant is classified as a Variant of Uncertain Significance.

Ambry Genetics
Classification: Uncertain significance for Hereditary cancer-predisposing syndrome. Last evaluated: 2019-10-07. Review status: criteria provided, single submitter. Criteria: Ambry Variant Classification Scheme 2023. Collection method: clinical testing. Allele origin: germline.
Comment: The p.M664V variant (also known as c.1990A>G), located in coding exon 5 of the PALB2 gene, results from an A to G substitution at nucleotide position 1990. The methionine at codon 664 is replaced by valine, an amino acid with highly similar properties. This amino acid position is poorly conserved in available vertebrate species. In addition, this alteration is predicted to be tolerated by in silico analysis. Since supporting evidence is limited at this time, the clinical significance of this alteration remains unclear.